The following is an entry in ClinVar:

NM_176824.3(BBS7):c.1869G>A (p.Val623=)

Gene: BBS7 (Bardet-Biedl syndrome 7; minus strand). Cytogenetic location: 4q27.
Variant type: single nucleotide variant.
Coding change: c.1869G>A on transcript NM_176824.3 (MANE Select); coding-DNA position 1869, G replaced by A.
Protein change: p.Val623=; no amino-acid change (valine 623 retained).
Molecular consequence: synonymous variant.
Genome position (GRCh38, 1-based): chr4:121,828,423, C>T on the plus strand (G>A on the coding strand, the complement: BBS7 is on the minus strand). VCF-style: chr4-121828423-C-T. GRCh37 (hg19) VCF-style: chr4-122749578-C-T.
Other names: c.1869G>A, p.Val623= (NM_018190.4); c.1869G>A (NM_176824.2).
Identifiers: ClinVar variation 1594091 (VCV001594091.11), dbSNP rs769405089, ClinGen allele CA3064117.

ClinVar aggregate classification (germline): Likely benign. Review status: criteria provided, multiple submitters, no conflicts (2 of 4 stars). 3 submissions from 3 submitters: Likely benign (3). Last evaluated 2026-09-25.

Conditions:
BBS7-related disorder. Also called: BBS7-related condition.
Bardet-Biedl syndrome (BBS). Identifiers: Orphanet 110, MedGen C0752166, MONDO:0015229.

Allele frequency attached by ClinVar (database versions not stated): TOPMed below 0.00001; gnomAD exomes 0.00001 and 0.00002; ExAC 0.00002.
gnomAD v4.1: 11 of 1,613,888 alleles (0.00068%); highest among the groups gnomAD compares: South Asian, 0.0088%; no homozygotes.

Submissions (3):

PreventionGenetics, part of Exact Sciences
Classification: Likely benign for BBS7-related condition. Last evaluated: 2026-09-25. Review status: criteria provided, single submitter. Criteria: ACMG Guidelines, 2015. Collection method: clinical testing. Allele origin: germline.
Comment: This variant is classified as likely benign based on ACMG/AMP sequence variant interpretation guidelines (Richards et al. 2015 PMID: 25741868, with internal and published modifications).

Labcorp Genetics (formerly Invitae), Labcorp
Classification: Likely benign for Bardet-Biedl syndrome. Last evaluated: 2024-05-07. Review status: criteria provided, single submitter. Criteria: Invitae Variant Classification Sherloc (09022015). Collection method: clinical testing. Allele origin: germline.

Blueprint Genetics
Classification: Likely benign. Last evaluated: 2021-11-22. Review status: criteria provided, single submitter. Criteria: ACMG Guidelines, 2015. Collection method: clinical testing. Allele origin: germline.